The following is an entry in ClinVar:

ClinVar aggregate classification (germline): Likely pathogenic (1 of 4 stars; one submission).

Conditions:
Lamb-Shaffer syndrome. Identifiers: Orphanet 313884, Orphanet 313892, Orphanet 530983, MedGen C4225202, MONDO:0014778, OMIM 616803.

Submission:

Clinical Genetics Laboratory, University Hospital Schleswig-Holstein
Classification: Likely pathogenic for Lamb-Shaffer syndrome. Last evaluated: 2025-03-25. Review status: criteria provided, single submitter. Criteria: ACMG Guidelines, 2015. Collection method: clinical testing. Allele origin: de novo. Affected: yes. Observed: 1 heterozygote.
Comment: ACMG criteria applied: PM2, PM5, PP3, PP2, PS2_Supporting

NM_006940.6(SOX5):c.1690A>G (p.Met564Val)

Gene: SOX5 (SRY-box transcription factor 5; minus strand). Cytogenetic location: 12p12.1.
Variant type: single nucleotide variant.
Coding change: c.1690A>G on transcript NM_006940.6 (MANE Select); coding-DNA position 1690, A replaced by G.
Protein change: p.Met564Val; replaces methionine 564 with valine.
Molecular consequence: missense variant.
Genome position (GRCh38, 1-based): chr12:23,543,292, T>C on the plus strand (A>G on the coding strand, the complement: SOX5 is on the minus strand). VCF-style: chr12-23543292-T-C. GRCh37 (hg19) VCF-style: chr12-23696226-T-C.
Other names: c.1327A>G, p.Met443Val (NM_001261414.3); c.1660A>G, p.Met554Val (NM_001261415.3); c.1585A>G, p.Met529Val (NM_001330785.2); c.1651A>G, p.Met551Val (NM_152989.5); c.532A>G, p.Met178Val (NM_178010.4); short protein forms M178V, M443V, M529V, M551V, M554V, M564V.
Identifiers: ClinVar variation 5042033 (VCV005042033.1).